The following is an entry in ClinVar:

ClinVar aggregate classification (germline): Uncertain significance. Review status: criteria provided, multiple submitters, no conflicts (2 of 4 stars). 2 submissions from 2 submitters: Uncertain significance (2). Last evaluated 2025-06-30.

Conditions:
Hereditary cancer-predisposing syndrome. Also called: Hereditary neoplastic syndrome; Neoplastic Syndromes, Hereditary; Tumor predisposition; Hereditary Cancer Syndrome. Identifiers: Orphanet 140162, MedGen C0027672, MeSH D009386, MONDO:0015356.
Fanconi anemia complementation group O. Also called: RAD51C-Related Fanconi Anemia. Identifiers: Orphanet 84, MedGen C3150653, MONDO:0013248, OMIM 613390.

Submissions (2):

Ambry Genetics
Classification: Uncertain significance for Hereditary cancer-predisposing syndrome. Last evaluated: 2025-06-30. Review status: criteria provided, single submitter. Criteria: Ambry Variant Classification Scheme 2023. Collection method: clinical testing. Allele origin: germline.
Comment: The c.146-3C>G intronic variant results from a C to G substitution 3 nucleotides upstream from coding exon 2 in the RAD51C gene. This nucleotide position is not well conserved in available vertebrate species. In silico splice site analysis predicts that this alteration will weaken the native splice acceptor site. Based on the available evidence, the clinical significance of this variant remains unclear.

Labcorp Genetics (formerly Invitae), Labcorp
Classification: Uncertain significance for Fanconi anemia complementation group O. Last evaluated: 2021-11-11. Review status: criteria provided, single submitter. Criteria: Invitae Variant Classification Sherloc (09022015). Collection method: clinical testing. Allele origin: germline.
Comment: In summary, the available evidence is currently insufficient to determine the role of this variant in disease. Therefore, it has been classified as a Variant of Uncertain Significance. Variants that disrupt the consensus splice site are a relatively common cause of aberrant splicing (PMID: 17576681, 9536098). Algorithms developed to predict the effect of sequence changes on RNA splicing suggest that this variant may disrupt the consensus splice site. ClinVar contains an entry for this variant (Variation ID: 484752). This variant has not been reported in the literature in individuals affected with RAD51C-related conditions. This variant is not present in population databases (gnomAD no frequency). This sequence change falls in intron 1 of the RAD51C gene. It does not directly change the encoded amino acid sequence of the RAD51C protein. It affects a nucleotide within the consensus splice site.

Literature cited by the submitters: PubMed 17576681 (cited by Labcorp Genetics (formerly Invitae), Labcorp); PubMed 9536098 (cited by Labcorp Genetics (formerly Invitae), Labcorp).

NM_058216.3(RAD51C):c.146-3C>G

Gene: RAD51C (RAD51 paralog C; plus strand). Cytogenetic location: 17q22.
Variant type: single nucleotide variant.
Coding change: c.146-3C>G on transcript NM_058216.3 (MANE Select); 3 bases into the intron before coding-DNA position 146, C replaced by G.
Molecular consequence: intron variant.
Genome position (GRCh38, 1-based): chr17:58,694,928, C>G. VCF-style: chr17-58694928-C-G. GRCh37 (hg19) VCF-style: chr17-56772289-C-G.
Other names: c.146-3C>G (NM_002876.4).
Identifiers: ClinVar variation 484752 (VCV000484752.12), dbSNP rs765143155, ClinGen allele CA658658634.